The following is an entry in ClinVar:

ClinVar aggregate classification (germline): Uncertain significance (1 of 4 stars; one submission).

gnomAD v4.1: 1 of 1,614,082 alleles (0.000062%); highest among the groups gnomAD compares: Admixed American, 0.0017%; no homozygotes.

Submission:

GeneDx
Classification: Uncertain significance. Last evaluated: 2025-02-19. Review status: criteria provided, single submitter. Criteria: GeneDx Variant Classification Process June 2021. Collection method: clinical testing. Allele origin: germline. Affected: yes.
Comment: Not observed at significant frequency in large population cohorts (gnomAD); In silico analysis supports that this missense variant has a deleterious effect on protein structure/function; Has not been previously published as pathogenic or benign to our knowledge

NM_000384.3(APOB):c.9044C>A (p.Ala3015Glu)

Gene: APOB (apolipoprotein B; minus strand). Cytogenetic location: 2p24.1.
Variant type: single nucleotide variant.
Coding change: c.9044C>A on transcript NM_000384.3 (MANE Select); coding-DNA position 9044, C replaced by A.
Protein change: p.Ala3015Glu; replaces alanine 3015 with glutamic acid.
Molecular consequence: missense variant.
Genome position (GRCh38, 1-based): chr2:21,007,824, G>T on the plus strand (C>A on the coding strand, the complement: APOB is on the minus strand). VCF-style: chr2-21007824-G-T. GRCh37 (hg19) VCF-style: chr2-21230696-G-T.
Other names: short protein forms A3015E.
Identifiers: ClinVar variation 4076682 (VCV004076682.1).